The following is an entry in ClinVar:

ClinVar aggregate classification (germline): Uncertain significance (1 of 4 stars; one submission).

Submission:

Labcorp Genetics (formerly Invitae), Labcorp
Classification: Uncertain significance. Last evaluated: 2022-02-27. Review status: criteria provided, single submitter. Criteria: Invitae Variant Classification Sherloc (09022015). Collection method: clinical testing. Allele origin: germline.
Comment: This variant has not been reported in the literature in individuals affected with ADNP-related conditions. This variant is not present in population databases (gnomAD no frequency). This sequence change replaces glutamine, which is neutral and polar, with histidine, which is basic and polar, at codon 238 of the ADNP protein (p.Gln238His). Algorithms developed to predict the effect of missense changes on protein structure and function are either unavailable or do not agree on the potential impact of this missense change (SIFT: "Not Available"; PolyPhen-2: "Probably Damaging"; Align-GVGD: "Not Available"). In summary, the available evidence is currently insufficient to determine the role of this variant in disease. Therefore, it has been classified as a Variant of Uncertain Significance.

NM_001282531.3(ADNP):c.714G>T (p.Gln238His)

Gene: ADNP (activity dependent neuroprotector homeobox; minus strand). Cytogenetic location: 20q13.13.
Variant type: single nucleotide variant.
Coding change: c.714G>T on transcript NM_001282531.3 (MANE Select); coding-DNA position 714, G replaced by T.
Protein change: p.Gln238His; replaces glutamine 238 with histidine.
Molecular consequence: missense variant.
Genome position (GRCh38, 1-based): chr20:50,894,000, C>A on the plus strand (G>T on the coding strand, the complement: ADNP is on the minus strand). VCF-style: chr20-50894000-C-A. GRCh37 (hg19) VCF-style: chr20-49510537-C-A.
Other names: c.714G>T, p.Gln238His (NM_001282532.2, NM_001347511.2, NM_015339.5 and 1 more transcripts); short protein forms Q238H.
Identifiers: ClinVar variation 2103934 (VCV002103934.4), dbSNP rs2515589950, ClinGen allele CA408976495.
Genomic context (GRCh38, chr20:50,894,000, plus strand): 5'-TGTGTGCCCAATCATGGCAGTGACCTGATAGCCTATACGTTCATGGTCTTCGATGACATG[C>A]TGTACCAAAGCTTCATAGGACTTTGGCATGAAAAGGCATCGCTTGCAGTGAATACTACTC-3'
Protein context (NP_001269460.1, residues 228-248): FMPKSYEALV[Gln238His]HVIEDHERIG